The following is an entry in ClinVar:

NM_000089.4(COL1A2):c.2774G>A (p.Gly925Asp)

Gene: COL1A2 (collagen type I alpha 2 chain; plus strand). Cytogenetic location: 7q21.3.
Variant type: single nucleotide variant.
Coding change: c.2774G>A on transcript NM_000089.4 (MANE Select); coding-DNA position 2774, G replaced by A.
Protein change: p.Gly925Asp; replaces glycine 925 with aspartic acid.
Molecular consequence: missense variant.
Genome position (GRCh38, 1-based): chr7:94,425,217, G>A. VCF-style: chr7-94425217-G-A. GRCh37 (hg19) VCF-style: chr7-94054529-G-A.
Other names: short protein forms G925D.
Identifiers: ClinVar variation 3767111 (VCV003767111.15).
Genomic context (GRCh38, chr7:94,425,217, plus strand): 5'-CCCGTGGTCCTCCTGGTGCTGTGGGTAGTCCTGGAGTCAACGGTGCTCCTGGTGAAGCTG[G>A]TCGTGATGTGAGTCCAACACTTGGTTTGTAAAATAAAACTGAGCAGGATTTCATTGTGTG-3'
Protein context (NP_000080.2, residues 915-935): PGVNGAPGEA[Gly925Asp]RDGNPGNDGP

ClinVar aggregate classification (germline): Pathogenic/Likely pathogenic. Review status: criteria provided, multiple submitters, no conflicts (2 of 4 stars). 3 submissions from 3 submitters: Pathogenic (2); Likely pathogenic (1). Last evaluated 2025-01-01.

Conditions:
Combined osteogenesis imperfecta and Ehlers-Danlos syndrome 2. Also called: OIEDS SYNDROME 2. Identifiers: MedGen C5436847, MONDO:0030855, OMIM 619120.
Osteogenesis imperfecta type III (OI3). Also called: Osteogenesis imperfecta type 3; OI type 3; Osteogenesis imperfecta, progressively deforming with normal sclerae; OI type III; Progressively Deforming Osteogenesis Imperfecta. Identifiers: Orphanet 216812, Orphanet 666, MedGen C0268362, MONDO:0009804, OMIM 259420.
Osteoporosis. Identifiers: MedGen C0029456, MONDO:0005298, OMIM 166710, HP:0000939.
Ehlers-Danlos syndrome, arthrochalasia type, 2. Also called: EHLERS-DANLOS SYNDROME, TYPE VIIB, AUTOSOMAL DOMINANT. Identifiers: MedGen CN293783, MONDO:0040501, OMIM 617821.
Ehlers-Danlos syndrome, cardiac valvular type. Identifiers: Orphanet 230851, MedGen C4303789, MONDO:0009159, OMIM 225320.
Osteogenesis imperfecta, perinatal lethal (OI2). Also called: Osteogenesis imperfecta type 2; OSTEOGENESIS IMPERFECTA, TYPE II; OI, TYPE II; OSTEOGENESIS IMPERFECTA CONGENITA; VROLIK TYPE OF OSTEOGENESIS IMPERFECTA; Osteogenesis imperfecta, dominant perinatal lethal. Identifiers: Orphanet 216804, MedGen C0268358, MONDO:0008147, OMIM 166210.
Osteogenesis imperfecta with normal sclerae, dominant form (OI4). Also called: Osteogenesis imperfecta type 4; Osteogenesis Imperfecta Type IV; OSTEOGENESIS IMPERFECTA, TYPE IV, WITH DENTINOGENESIS IMPERFECTA; OSTEOGENESIS IMPERFECTA WITH NORMAL SCLERAE; Common Variable Osteogenesis Imperfecta with Normal Sclerae. Identifiers: Orphanet 216820, Orphanet 666, MedGen C0268363, MONDO:0008148, OMIM 166220.
COL1A2-related disorder. Also called: COL1A2-related condition; COL1A2-Related Disorders.

gnomAD v4.1: 1 of 1,613,932 alleles (0.000062%); highest among the groups gnomAD compares: Non-Finnish European, 0.000085%; no homozygotes.

Submissions (3):

CeGaT Center for Human Genetics Tuebingen
Classification: Pathogenic. Last evaluated: 2025-01-01. Review status: criteria provided, single submitter. Criteria: CeGaT Center For Human Genetics Tuebingen Variant Classification Criteria Version 2. Collection method: clinical testing. Allele origin: germline. Affected: yes. Observed: 1 variant allele.
Comment: COL1A2: PM1:Strong, PM2, PS4:Moderate, PP3, PP4

3billion
Classification: Likely pathogenic for COL1A2-related disorder. Last evaluated: 2024-12-19. Review status: criteria provided, single submitter. Criteria: ACMG Guidelines, 2015. Collection method: clinical testing. Allele origin: germline. Affected: yes.
Comment: The variant is observed at an extremely low frequency in the gnomAD v4.1.0 dataset (total allele frequency: <0.001%). Predicted Consequence/Location: Missense variant. Missense changes are a common disease-causing mechanism. In silico tool predictions suggest damaging effect of the variant on gene or gene product [REVEL: 1.00 (>=0.6, sensitivity 0.68 and specificity 0.92); 3Cnet: 0.96 (>=0.6, sensitivity 0.72 and precision 0.9)]. The same nucleotide change resulting in the same amino acid change has been previously reported to be associated with COL1A2-related disorder (PMID: 30715774).A different missense change at the same codon (p.Gly925Cys) has been reported to be associated with COL1A2-related disorder (PMID: 16879195). Therefore, this variant is classified as Likely pathogenic according to the recommendation of ACMG/AMP guideline.

Juno Genomics, Hangzhou Juno Genomics, Inc
Classification: Pathogenic for Osteoporosis; Combined osteogenesis imperfecta and Ehlers-Danlos syndrome 2; Ehlers-Danlos syndrome, arthrochalasia type, 2; Ehlers-Danlos syndrome, cardiac valvular type; Osteogenesis imperfecta, perinatal lethal; Osteogenesis imperfecta type III; Osteogenesis imperfecta with normal sclerae, dominant form. Review status: criteria provided, single submitter. Criteria: ACMG Guidelines, 2015. Collection method: clinical testing. Allele origin: germline. Affected: yes.
Comment: Absent from controls (or at extremely low frequency if recessive) in Genome Aggregation Database, Exome Sequencing Project, 1000 Genomes Project, or Exome Aggregation Consortium.;Multiple lines of computational evidence support a deleterious effect on the gene or gene product (conservation, evolutionary, splicing impact, etc).;Missense variant in a gene that has a low rate of benign missense variation and where missense variants are a common mechanism of disease.;The prevalence of the variant in affected individuals is significantly increased compared to the prevalence in controls.;Patient's phenotype or family history is highly specific for a disease with a single genetic etiology.;De novo (both maternity and paternity confirmed) in a patient with the disease and no family history.

Literature cited by the submitters: PubMed 30715774 (cited by 3billion); PubMed 16879195 (cited by 3billion).